The following is an entry in ClinVar:

NM_004069.6(AP2S1):c.120C>T (p.Thr40=)

Gene: AP2S1 (adaptor related protein complex 2 subunit sigma 1; minus strand). Cytogenetic location: 19q13.32.
Variant type: single nucleotide variant.
Coding change: c.120C>T on transcript NM_004069.6 (MANE Select); coding-DNA position 120, C replaced by T.
Protein change: p.Thr40=; no amino-acid change (threonine 40 retained).
Molecular consequence: synonymous variant.
Genome position (GRCh38, 1-based): chr19:46,846,026, G>A on the plus strand (C>T on the coding strand, the complement: AP2S1 is on the minus strand). VCF-style: chr19-46846026-G-A. GRCh37 (hg19) VCF-style: chr19-47349283-G-A.
Other names: c.168C>T, p.Thr56= (NM_001301076.3); c.120C>T, p.Thr40= (NM_001301078.3, NM_021575.5); c.126C>T, p.Thr42= (NM_001301081.3).
Identifiers: ClinVar variation 2650141 (VCV002650141.27), dbSNP rs890897569, ClinGen allele CA309153244.
Genomic context (GRCh38, chr19:46,846,026, plus strand): 5'-GTGCAGGAGGCATGGAGCGGGCGTCACCTCCACAAAGTTGGTGTGTTTGGCGTCTCGGAC[G>A]GTGACCACGGCATGCACCTCCTCGATCAGCTTCTGTTTCTCATCATCATCAAACTGCATG-3'
Protein context (NP_004060.2, residues 30-50): KLIEEVHAVV[Thr40=]VRDAKHTNFV

ClinVar aggregate classification (germline): Likely benign. Review status: criteria provided, multiple submitters, no conflicts (2 of 4 stars). 2 submissions from 2 submitters: Likely benign (2). Last evaluated 2023-05-01.

Allele frequency attached by ClinVar (database versions not stated): gnomAD 0.00003; gnomAD exomes 0.00003; TOPMed 0.00003.
gnomAD v4.1: 43 of 1,613,994 alleles (0.0027%); highest among the groups gnomAD compares: Middle Eastern, 0.016%; no homozygotes.

Submissions (2):

CeGaT Center for Human Genetics Tuebingen
Classification: Likely benign. Last evaluated: 2023-05-01. Review status: criteria provided, single submitter. Criteria: CeGaT Center For Human Genetics Tuebingen Variant Classification Criteria Version 2. Collection method: clinical testing. Allele origin: germline. Affected: yes. Observed: 1 variant allele.
Comment: AP2S1: BP4, BP7

Labcorp Genetics (formerly Invitae), Labcorp
Classification: Likely benign. Last evaluated: 2022-12-28. Review status: criteria provided, single submitter. Criteria: Invitae Variant Classification Sherloc (09022015). Collection method: clinical testing. Allele origin: germline.